The following is an entry in ClinVar:

NC_000002.11:g.(?_11905668)_(11955386_?)del

Gene: LPIN1 (lipin 1; plus strand). Cytogenetic location: 2p25.1.
Variant type: Deletion.
Identifiers: ClinVar variation 1456198 (VCV001456198.4).

ClinVar aggregate classification (germline): Pathogenic (1 of 4 stars; one submission).

Submission:

Labcorp Genetics (formerly Invitae), Labcorp
Classification: Pathogenic. Last evaluated: 2021-10-07. Review status: criteria provided, single submitter. Criteria: Invitae Variant Classification Sherloc (09022015). Collection method: clinical testing. Allele origin: germline.
Comment: For these reasons, this variant has been classified as Pathogenic. This variant has not been reported in the literature in individuals affected with LPIN1-related conditions. This variant is a gross deletion of the genomic region encompassing exon(s) 2-17 of the LPIN1 gene, which includes the initiator codon. This deletion extends beyond the assayed region for this gene and therefore may encompass additional genes. It is expected to result in an absent or disrupted protein product. Loss-of-function variants in LPIN1 are known to be pathogenic (PMID: 18817903, 20583302, 22481384, 26111941).

Literature cited by the submitters: PubMed 18817903; PubMed 20583302; PubMed 22481384; PubMed 26111941.